The following is an entry in ClinVar:

ClinVar aggregate classification (germline): Benign (1 of 4 stars; one submission).

Allele frequency attached by ClinVar (database versions not stated): gnomAD 0.35414 and 0.36147; TOPMed 0.37392; 1000 Genomes Project 0.39437; 1000 Genomes Project 30x 0.39959.
gnomAD v4.1: 53,588 of 152,032 alleles (35%); highest among the groups gnomAD compares: African/African-American, 71%; 13,255 homozygotes.

Submission:

GeneDx
Classification: Benign. Last evaluated: 2018-06-18. Review status: criteria provided, single submitter. Criteria: GeneDx Variant Classification (06012015). Collection method: clinical testing. Allele origin: germline. Affected: yes.
Comment: This variant is considered likely benign or benign based on one or more of the following criteria: it is a conservative change, it occurs at a poorly conserved position in the protein, it is predicted to be benign by multiple in silico algorithms, and/or has population frequency not consistent with disease.

NM_001376.5(DYNC1H1):c.2718+243T>C

Gene: DYNC1H1 (dynein cytoplasmic 1 heavy chain 1; plus strand). Cytogenetic location: 14q32.31.
Variant type: single nucleotide variant.
Coding change: c.2718+243T>C on transcript NM_001376.5 (MANE Select); 243 bases into the intron after coding-DNA position 2718, T replaced by C.
Molecular consequence: intron variant.
Genome position (GRCh38, 1-based): chr14:101,987,875, T>C. VCF-style: chr14-101987875-T-C. GRCh37 (hg19) VCF-style: chr14-102454212-T-C.
Identifiers: ClinVar variation 679340 (VCV000679340.1), dbSNP rs12893268, ClinGen allele CA13950787.